The following is an entry in ClinVar:

ClinVar aggregate classification (germline): Uncertain significance (1 of 4 stars; one submission).

gnomAD v4.1: 7 of 1,604,060 alleles (0.00044%); highest among the groups gnomAD compares: Middle Eastern, 0.066%; 1 homozygote.

Submission:

GeneDx
Classification: Uncertain significance. Last evaluated: 2025-09-18. Review status: criteria provided, single submitter. Criteria: GeneDx Variant Classification Process June 2021. Collection method: clinical testing. Allele origin: germline.
Comment: Not observed at significant frequency in large population cohorts (gnomAD); In silico analysis suggests that this variant does not alter splicing; Has not been previously published as pathogenic or benign to our knowledge

NM_020401.4(NUP107):c.2503-13T>C

Gene: NUP107 (nucleoporin 107; plus strand). Cytogenetic location: 12q15.
Variant type: single nucleotide variant.
Coding change: c.2503-13T>C on transcript NM_020401.4 (MANE Select); 13 bases into the intron before coding-DNA position 2503, T replaced by C.
Molecular consequence: intron variant.
Genome position (GRCh38, 1-based): chr12:68,741,800, T>C. VCF-style: chr12-68741800-T-C. GRCh37 (hg19) VCF-style: chr12-69135580-T-C.
Other names: c.2416-13T>C (NM_001330192.2).
Identifiers: ClinVar variation 4070808 (VCV004070808.2).
Genomic context (GRCh38, chr12:68,741,800, plus strand): 5'-AGTACCTGGCTTTTCTTTTTGTAAGGATCTTTAGCTTAAATTGTTAAAATGATTTATTGA[T>C]GTCTGTTTGTAGGATGCCAAAGAAGACCATGAAAGAACACATCAAATGGTCTTACTGAGA-3'